The following is an entry in ClinVar:

NM_002473.6(MYH9):c.4344G>C (p.Gln1448His)

Gene: MYH9 (myosin heavy chain 9; minus strand). Cytogenetic location: 22q12.3.
Variant type: single nucleotide variant.
Coding change: c.4344G>C on transcript NM_002473.6 (MANE Select); coding-DNA position 4344, G replaced by C.
Protein change: p.Gln1448His; replaces glutamine 1448 with histidine.
Molecular consequence: missense variant.
Genome position (GRCh38, 1-based): chr22:36,291,986, C>G on the plus strand (G>C on the coding strand, the complement: MYH9 is on the minus strand). VCF-style: chr22-36291986-C-G. GRCh37 (hg19) VCF-style: chr22-36688032-C-G.
Other names: short protein forms Q1448H.
Identifiers: ClinVar variation 4540420 (VCV004540420.1).

ClinVar aggregate classification (germline): Uncertain significance (1 of 4 stars; one submission).

Conditions:
Macrothrombocytopenia and granulocyte inclusions with or without nephritis or sensorineural hearing loss (MATINS). Also called: MACROTHROMBOCYTOPENIA WITH LEUKOCYTE INCLUSIONS; BLEEDING DISORDER, PLATELET-TYPE, 6; MAY-HEGGLIN ANOMALY; DOHLE LEUKOCYTE INCLUSIONS WITH GIANT PLATELETS; SEBASTIAN PLATELET SYNDROME; MACROTHROMBOCYTOPENIA WITH DISPERSED LEUKOCYTIC INCLUSIONS. Identifiers: Orphanet 182050, MedGen C5200934, MONDO:0015912, OMIM 155100.

Submission:

MVZ Medizinische Genetik Mainz
Classification: Uncertain significance for Macrothrombocytopenia and granulocyte inclusions with or without nephritis or sensorineural hearing loss. Last evaluated: 2025-11-14. Review status: criteria provided, single submitter. Criteria: UK Practice Guidelines For Variant Classification V4 01 2020. Collection method: clinical testing. Allele origin: germline. Inheritance: Autosomal dominant inheritance. Affected: yes. Observed: 1 variant allele.
Comment: ACMG Criteria: PM2_SUP,PP3